The following is an entry in ClinVar:

NM_004336.5(BUB1):c.2881A>T (p.Ile961Leu)

Gene: BUB1 (BUB1 mitotic checkpoint serine/threonine kinase; minus strand). Cytogenetic location: 2q13.
Variant type: single nucleotide variant.
Coding change: c.2881A>T on transcript NM_004336.5 (MANE Select); coding-DNA position 2881, A replaced by T.
Protein change: p.Ile961Leu; replaces isoleucine 961 with leucine.
Molecular consequence: missense variant.
Genome position (GRCh38, 1-based): chr2:110,641,108, T>A on the plus strand (A>T on the coding strand, the complement: BUB1 is on the minus strand). VCF-style: chr2-110641108-T-A. GRCh37 (hg19) VCF-style: chr2-111398685-T-A.
Other names: c.2821A>T, p.Ile941Leu (NM_001278616.2); c.2710A>T, p.Ile904Leu (NM_001278617.2); short protein forms I941L, I961L, I904L.
Identifiers: ClinVar variation 1797180 (VCV001797180.2), dbSNP rs2467970266, ClinGen allele CA348089092.

ClinVar aggregate classification (germline): Uncertain significance (1 of 4 stars; one submission).

Submission:

Ambry Genetics
Classification: Uncertain significance. Last evaluated: 2022-08-03. Review status: criteria provided, single submitter. Criteria: Ambry Variant Classification Scheme 2023. Collection method: clinical testing. Allele origin: germline.
Comment: The p.I961L variant (also known as c.2881A>T), located in coding exon 23 of the BUB1 gene, results from an A to T substitution at nucleotide position 2881. The isoleucine at codon 961 is replaced by leucine, an amino acid with highly similar properties. This amino acid position is conserved. In addition, this alteration is predicted to be tolerated by in silico analysis. Since supporting evidence is limited at this time, the clinical significance of this alteration remains unclear.